The following is an entry in ClinVar:

ClinVar aggregate classification (germline): Likely benign. Review status: criteria provided, multiple submitters, no conflicts (2 of 4 stars). 2 submissions from 2 submitters: Likely benign (2). Last evaluated 2026-09-01.

Conditions:
Congenital myopathy with internal nuclei and atypical cores. Also called: Myopathy, centronuclear, 4. Identifiers: Orphanet 319160, MedGen C4707232, MONDO:0013890, OMIM 614807.

Allele frequency attached by ClinVar (database versions not stated): TOPMed 0.00002; gnomAD 0.00005.
gnomAD v4.1: 52 of 1,608,932 alleles (0.0032%); highest among the groups gnomAD compares: Non-Finnish European, 0.0031%; no homozygotes.

Submissions (2):

CeGaT Center for Human Genetics Tuebingen
Classification: Likely benign. Last evaluated: 2026-09-01. Review status: criteria provided, single submitter. Criteria: CeGaT Center For Human Genetics Tuebingen Variant Classification Criteria Version 2. Collection method: clinical testing. Allele origin: germline. Affected: yes. Observed: 2 variant alleles.
Comment: CCDC78: BP4, BP7

Labcorp Genetics (formerly Invitae), Labcorp
Classification: Likely benign for Congenital myopathy with internal nuclei and atypical cores. Last evaluated: 2025-10-09. Review status: criteria provided, single submitter. Criteria: Invitae Variant Classification Sherloc (09022015). Collection method: clinical testing. Allele origin: germline.

NM_001378030.1(CCDC78):c.612C>T (p.Ala204=)

Gene: CCDC78 (coiled-coil domain containing 78; minus strand). Cytogenetic location: 16p13.3.
Variant type: single nucleotide variant.
Coding change: c.612C>T on transcript NM_001378030.1 (MANE Select); coding-DNA position 612, C replaced by T.
Protein change: p.Ala204=; no amino-acid change (alanine 204 retained).
Molecular consequence: synonymous variant. On other transcripts: non-coding transcript variant (5), intron variant (1).
Genome position (GRCh38, 1-based): chr16:724,938, G>A on the plus strand (C>T on the coding strand, the complement: CCDC78 is on the minus strand). VCF-style: chr16-724938-G-A. GRCh37 (hg19) VCF-style: chr16-774938-G-A.
Other names: c.612C>T, p.Ala204= (NM_001031737.3, NM_001378031.1); c.198+140C>T (NM_001378033.1).
Identifiers: ClinVar variation 702602 (VCV000702602.9), dbSNP rs765213341, ClinGen allele CA7789500.